The following is an entry in ClinVar:

NM_001377.3(DYNC2H1):c.5298_5299del (p.Asn1767fs)

Gene: DYNC2H1 (dynein cytoplasmic 2 heavy chain 1; plus strand). Cytogenetic location: 11q22.3.
Variant type: Deletion.
Coding change: c.5298_5299del on transcript NM_001377.3 (MANE Select); coding-DNA positions 5298 to 5299, 2 bases deleted (GA; older notation c.5298_5299delGA).
Protein change: p.Asn1767fs; shifts the reading frame from asparagine 1767.
Molecular consequence: frameshift variant.
Genome position (GRCh38, 1-based): chr11:103,171,032-103,171,033, GA deleted; deleting any 2 consecutive bases within chr11:103,171,031-103,171,033 gives the same sequence; the c. name uses the placement nearest the transcript's 3' end. VCF-style (leftmost placement, unchanged base first): chr11-103171030-AAG-A. GRCh37 (hg19) VCF-style: chr11-103041759-AAG-A.
Other names: c.5298_5299del, p.Asn1767fs (NM_001080463.2); short protein forms N1767fs.
Identifiers: ClinVar variation 5015943 (VCV005015943.1).

ClinVar aggregate classification (germline): Pathogenic (1 of 4 stars; one submission).

Conditions:
Asphyxiating thoracic dystrophy 3. Also called: SHORT-RIB THORACIC DYSPLASIA 3 WITH OR WITHOUT POLYDACTYLY; POLYDACTYLY WITH NEONATAL CHONDRODYSTROPHY, TYPE I; SHORT-RIB THORACIC DYSPLASIA 3/6 WITH POLYDACTYLY, DIGENIC; Short rib polydactyly syndrome 2B; Saldino-Noonan Syndrome. Identifiers: Orphanet 474, Orphanet 93269, Orphanet 93270, Orphanet 93271, MedGen C0036069, MONDO:0013127, OMIM 613091.

Submission:

Myriad Genetics, Inc.
Classification: Pathogenic for Asphyxiating thoracic dystrophy 3. Last evaluated: 2026-05-22. Review status: criteria provided, single submitter. Criteria: Myriad Autosomal Dominant, Autosomal Recessive and X-Linked Classification Criteria (2023). Collection method: clinical testing. Allele origin: unknown.
Comment: NM_001377.2(DYNC2H1):c.5298_5299delGA(N1767Sfs*2) is expected to be pathogenic in the context of DYNC2H1-related disorders. This variant is predicted to lead to an abnormal or absent protein product due to the creation of a premature termination codon in DYNC2H1, a gene where loss-of-function variants are known to be pathogenic. Please note: this variant was assessed in the context of healthy population screening.